The following is an entry in ClinVar:

NM_000051.4(ATM):c.2838+8dup

Gene: ATM (ATM serine/threonine kinase; plus strand). Cytogenetic location: 11q22.3.
Variant type: Duplication.
Coding change: c.2838+8dup on transcript NM_000051.4 (MANE Select); 8 bases into the intron after coding-DNA position 2838, one base duplicated (A; older notation c.2838+8dupA).
Molecular consequence: intron variant.
Genome position (GRCh38, 1-based): chr11:108,268,617, A duplicated. VCF-style (leftmost placement, unchanged base first): chr11-108268616-T-TA. GRCh37 (hg19) VCF-style: chr11-108139343-T-TA.
Other names: c.2838+8dupA (NM_000051.3); c.2838+8dup (NM_001351834.2).
Identifiers: ClinVar variation 414581 (VCV000414581.11), dbSNP rs1364656453, ClinGen allele CA16613311.
Genomic context (GRCh38, chr11:108,268,616, plus strand): 5'-ATGTTAATTGATTCTAGCACGCTAGAACCTACCAAATCCCTCCACCTGCATATGGTGAGT[T>TA]ACGTTAAATGAAGAAGCTCTTGGATTTTATCTGATGTTGCTGACTAAATGTAATGAGTTG-3'

ClinVar aggregate classification (germline): Likely benign. Review status: criteria provided, multiple submitters, no conflicts (2 of 4 stars). 2 submissions from 2 submitters: Likely benign (2). Last evaluated 2024-05-10.

Conditions:
Familial cancer of breast. Also called: Hereditary breast cancer; BREAST CANCER, FAMILIAL; hereditary breast carcinoma. Identifiers: Orphanet 227535, MedGen C0346153, MONDO:0016419, OMIM 114480. Disease mechanism: loss of function.
Ataxia-telangiectasia syndrome (AT). Also called: Ataxia-telangiectasia; Cerebello-oculocutaneous telangiectasia; Immunodeficiency with ataxia telangiectasia; ATAXIA-TELANGIECTASIA, COMPLEMENTATION GROUP A; ATAXIA-TELANGIECTASIA, FRESNO VARIANT; Ataxia-telangiectasia, complementation group D. Identifiers: Orphanet 100, MedGen C0004135, MONDO:0008840, OMIM 208900.

Allele frequency attached by ClinVar (database versions not stated): gnomAD 0.00001; TOPMed 0.00001.

Submissions (2):

Myriad Genetics, Inc.
Classification: Likely benign for Familial cancer of breast. Last evaluated: 2024-05-10. Review status: criteria provided, single submitter. Criteria: Myriad Autosomal Dominant, Autosomal Recessive and X-Linked Classification Criteria (2023). Collection method: clinical testing. Allele origin: unknown.
Comment: This variant is considered likely benign. This variant is intronic and is not expected to impact mRNA splicing.

Labcorp Genetics (formerly Invitae), Labcorp
Classification: Likely benign for Ataxia-telangiectasia syndrome. Last evaluated: 2024-03-28. Review status: criteria provided, single submitter. Criteria: Invitae Variant Classification Sherloc (09022015). Collection method: clinical testing. Allele origin: germline.